The following is an entry in ClinVar:

ClinVar aggregate classification (germline): Uncertain significance (1 of 4 stars; one submission).

Conditions:
Familial focal epilepsy with variable foci (FPEVF). Identifiers: Orphanet 98820, MedGen C1858477, MONDO:0020310.

Allele frequency attached by ClinVar (database versions not stated): TOPMed below 0.00001.

Submission:

Labcorp Genetics (formerly Invitae), Labcorp
Classification: Uncertain significance for Familial focal epilepsy with variable foci. Last evaluated: 2023-05-20. Review status: criteria provided, single submitter. Criteria: Invitae Variant Classification Sherloc (09022015). Collection method: clinical testing. Allele origin: germline.
Comment: In summary, the available evidence is currently insufficient to determine the role of this variant in disease. Therefore, it has been classified as a Variant of Uncertain Significance. This sequence change replaces glutamine, which is neutral and polar, with histidine, which is basic and polar, at codon 644 of the DEPDC5 protein (p.Gln644His). This variant is not present in population databases (gnomAD no frequency). This variant has not been reported in the literature in individuals affected with DEPDC5-related conditions. Experimental studies and prediction algorithms are not available or were not evaluated, and the functional significance of this variant is currently unknown.

NM_001242896.3(DEPDC5):c.1932A>C (p.Gln644His)

Gene: DEPDC5 (DEP domain containing 5, GATOR1 subcomplex subunit; plus strand). Cytogenetic location: 22q12.3.
Variant type: single nucleotide variant.
Coding change: c.1932A>C on transcript NM_001242896.3 (MANE Select); coding-DNA position 1932, A replaced by C.
Protein change: p.Gln644His; replaces glutamine 644 with histidine.
Molecular consequence: missense variant. On other transcripts: non-coding transcript variant (4), intron variant (3).
Genome position (GRCh38, 1-based): chr22:31,821,563, A>C. VCF-style: chr22-31821563-A-C. GRCh37 (hg19) VCF-style: chr22-32217549-A-C.
Other names: c.1932A>C, p.Gln644His (NM_001136029.4, NM_001363852.2, NM_001364318.2 and 3 more transcripts); c.1848A>C, p.Gln616His (NM_001369901.1, NM_001369902.1); c.1870+2338A>C (NM_001363854.2, NM_001242897.2, NM_001364319.2); short protein forms Q616H, Q644H.
Identifiers: ClinVar variation 2824979 (VCV002824979.3), dbSNP rs1950605130, ClinGen allele CA411281923.